The following is an entry in ClinVar:

NM_000303.3(PMM2):c.355T>C (p.Phe119Leu)

Gene: PMM2 (phosphomannomutase 2; plus strand). Cytogenetic location: 16p13.2.
Variant type: single nucleotide variant.
Coding change: c.355T>C on transcript NM_000303.3 (MANE Select); coding-DNA position 355, T replaced by C.
Protein change: p.Phe119Leu; replaces phenylalanine 119 with leucine.
Molecular consequence: missense variant.
Genome position (GRCh38, 1-based): chr16:8,811,086, T>C. VCF-style: chr16-8811086-T-C. GRCh37 (hg19) VCF-style: chr16-8904943-T-C.
Other names: short protein forms F119L.
Identifiers: ClinVar variation 371231 (VCV000371231.4), dbSNP rs1057517110, ClinGen allele CA16041798.

ClinVar aggregate classification (germline): Pathogenic. Review status: criteria provided, single submitter (1 of 4 stars). 2 submissions from 2 submitters: Pathogenic (1). 1 of the submissions does not count toward it. Last evaluated 2024-12-10.

Conditions:
PMM2-congenital disorder of glycosylation. Also called: PMM2-CDG; Congenital disorder of glycosylation, type Ia; PHOSPHOMANNOMUTASE 2 DEFICIENCY; CARBOHYDRATE-DEFICIENT GLYCOPROTEIN SYNDROME, TYPE Ia; CDG Ia; JAEKEN SYNDROME. Identifiers: Orphanet 79318, MedGen C0349653, MONDO:0008907, OMIM 212065.

Submissions (2):

Women's Health and Genetics/Laboratory Corporation of America, LabCorp
Classification: Pathogenic for PMM2-congenital disorder of glycosylation. Last evaluated: 2024-12-10. Review status: criteria provided, single submitter. Criteria: LabCorp Variant Classification Summary - May 2015. Collection method: clinical testing. Allele origin: germline.
Comment: Variant summary: PMM2 c.355T>C (p.Phe119Leu) results in a non-conservative amino acid change located in the HAD-like domain of the encoded protein sequence. Five of five in-silico tools predict a damaging effect of the variant on protein function. The variant was absent in 183678 control chromosomes. p.Phe119Leu has been reported in the literature in individuals affected with Congenital Disorder Of Glycosylation Type 1a (example: Kjaergaard_1999). A different variant resulting in the same amino acid consequence has been classified as pathogenic by our lab (c.357C>A, p.Phe119Leu) , supporting the pathogenicity of this variant. At least one publication reports experimental evidence evaluating an impact on protein function. The most pronounced variant effect results in 10%-<30% of normal activity (Kjaergaard_1999). The following publication has been ascertained in the context of this evaluation (PMID: 10602363). ClinVar contains an entry for this variant (Variation ID: 371231). Based on the evidence outlined above, the variant was classified as pathogenic.

Counsyl
Classification: Pathogenic for PMM2-congenital disorder of glycosylation. Last evaluated: 2016-08-03. Review status: no assertion criteria provided. Collection method: clinical testing. Allele origin: unknown. Not counted in ClinVar's aggregate classification.

Literature cited by the submitters: PubMed 10602363 (cited by Women's Health and Genetics/Laboratory Corporation of America, LabCorp).